The following is an entry in ClinVar:

ClinVar aggregate classification (germline): Uncertain significance (1 of 4 stars; one submission).

Allele frequency attached by ClinVar (database versions not stated): gnomAD exomes below 0.00001; TOPMed 0.00001; ExAC 0.00002; ESP Exome Variant Server 0.00008.
gnomAD v4.1: 6 of 1,613,980 alleles (0.00037%); highest among the groups gnomAD compares: African/African-American, 0.0053%; no homozygotes.

Submission:

Labcorp Genetics (formerly Invitae), Labcorp
Classification: Uncertain significance. Last evaluated: 2023-02-14. Review status: criteria provided, single submitter. Criteria: Invitae Variant Classification Sherloc (09022015). Collection method: clinical testing. Allele origin: germline.
Comment: In summary, the available evidence is currently insufficient to determine the role of this variant in disease. Therefore, it has been classified as a Variant of Uncertain Significance. Algorithms developed to predict the effect of missense changes on protein structure and function output the following: SIFT: "Deleterious"; PolyPhen-2: "Benign"; Align-GVGD: "Class C0". The methionine amino acid residue is found in multiple mammalian species, which suggests that this missense change does not adversely affect protein function. This variant has not been reported in the literature in individuals affected with ALPK3-related conditions. This variant is present in population databases (rs368330440, gnomAD 0.007%). This sequence change replaces valine, which is neutral and non-polar, with methionine, which is neutral and non-polar, at codon 1049 of the ALPK3 protein (p.Val1049Met).

NM_020778.5(ALPK3):c.2539G>A (p.Val847Met)

Gene: ALPK3 (alpha kinase 3; plus strand). Cytogenetic location: 15q25.3.
Variant type: single nucleotide variant.
Coding change: c.2539G>A on transcript NM_020778.5 (MANE Select); coding-DNA position 2539, G replaced by A.
Protein change: p.Val847Met; replaces valine 847 with methionine.
Molecular consequence: missense variant.
Genome position (GRCh38, 1-based): chr15:84,857,277, G>A. VCF-style: chr15-84857277-G-A. GRCh37 (hg19) VCF-style: chr15-85400508-G-A.
Other names: short protein forms V847M.
Identifiers: ClinVar variation 3005637 (VCV003005637.3), dbSNP rs368330440, ClinGen allele CA7709443.